The following is an entry in ClinVar:

NM_016343.4(CENPF):c.6668A>G (p.Gln2223Arg)

Gene: CENPF (centromere protein F; plus strand). Cytogenetic location: 1q41.
Variant type: single nucleotide variant.
Coding change: c.6668A>G on transcript NM_016343.4 (MANE Select); coding-DNA position 6668, A replaced by G.
Protein change: p.Gln2223Arg; replaces glutamine 2223 with arginine.
Molecular consequence: missense variant.
Genome position (GRCh38, 1-based): chr1:214,646,238, A>G. VCF-style: chr1-214646238-A-G. GRCh37 (hg19) VCF-style: chr1-214819581-A-G.
Other names: short protein forms Q2223R.
Identifiers: ClinVar variation 1339694 (VCV001339694.7), dbSNP rs150277836, ClinGen allele CA1390994.

ClinVar aggregate classification (germline): Uncertain significance. Review status: criteria provided, multiple submitters, no conflicts (2 of 4 stars). 3 submissions from 3 submitters: Uncertain significance (2). 1 of the submissions does not count toward it. Last evaluated 2024-06-26.

Conditions:
CENPF-related disorder. Also called: CENPF-related condition.
Inborn genetic diseases. Identifiers: MedGen C0950123, MeSH D030342.

Allele frequency attached by ClinVar (database versions not stated): ExAC 0.00017; gnomAD exomes 0.00018 and 0.00026; ESP Exome Variant Server 0.00023; TOPMed 0.00024; gnomAD 0.00031 and 0.00034.
gnomAD v4.1: 336 of 1,613,566 alleles (0.021%); highest among the groups gnomAD compares: Middle Eastern, 0.066%; 1 homozygote.

Submissions (3):

Women's Health and Genetics/Laboratory Corporation of America, LabCorp
Classification: Uncertain significance. Last evaluated: 2024-06-26. Review status: criteria provided, single submitter. Criteria: LabCorp Variant Classification Summary - May 2015. Collection method: clinical testing. Allele origin: germline.
Comment: Variant summary: CENPF c.6668A>G (p.Gln2223Arg) results in a conservative amino acid change located in the Centromere protein Cenp-F, leucine-rich repeat-containing domain (IPR019513) of the encoded protein sequence. Four of five in-silico tools predict a benign effect of the variant on protein function. The variant allele was found at a frequency of 0.00026 in 249134 control chromosomes. This frequency is not significantly higher than estimated for a pathogenic variant in CENPF causing Stromme Syndrome, allowing no conclusion about variant significance. To our knowledge, no occurrence of c.6668A>G in individuals affected with Stromme Syndrome and no experimental evidence demonstrating its impact on protein function have been reported. ClinVar contains an entry for this variant (Variation ID: 1339694). Based on the evidence outlined above, the variant was classified as uncertain significance.

Ambry Genetics
Classification: Uncertain significance for Inborn genetic diseases. Last evaluated: 2021-08-09. Review status: criteria provided, single submitter. Criteria: Ambry Variant Classification Scheme 2023. Collection method: clinical testing. Allele origin: germline.

PreventionGenetics, part of Exact Sciences
Classification: Likely benign for CENPF-related condition. Last evaluated: 2023-08-21. Review status: no assertion criteria provided. Collection method: clinical testing. Allele origin: germline. Not counted in ClinVar's aggregate classification.
Comment: This variant is classified as likely benign based on ACMG/AMP sequence variant interpretation guidelines (Richards et al. 2015 PMID: 25741868, with internal and published modifications).